The following is an entry in ClinVar:

ClinVar aggregate classification (germline): Uncertain significance (1 of 4 stars; one submission).

gnomAD v4.1: 3 of 1,603,982 alleles (0.00019%); highest among the groups gnomAD compares: Non-Finnish European, 0.00026%; no homozygotes.

Submission:

Labcorp Genetics (formerly Invitae), Labcorp
Classification: Uncertain significance. Last evaluated: 2024-02-01. Review status: criteria provided, single submitter. Criteria: Invitae Variant Classification Sherloc (09022015). Collection method: clinical testing. Allele origin: germline.
Comment: This sequence change replaces serine, which is neutral and polar, with tyrosine, which is neutral and polar, at codon 371 of the PLEKHM2 protein (p.Ser371Tyr). The frequency data for this variant in the population databases is considered unreliable, as metrics indicate poor data quality at this position in the gnomAD database. This variant has not been reported in the literature in individuals affected with PLEKHM2-related conditions. An algorithm developed to predict the effect of missense changes on protein structure and function (PolyPhen-2) suggests that this variant is likely to be tolerated. In summary, the available evidence is currently insufficient to determine the role of this variant in disease. Therefore, it has been classified as a Variant of Uncertain Significance.

NM_015164.4(PLEKHM2):c.1112C>A (p.Ser371Tyr)

Gene: PLEKHM2 (pleckstrin homology and RUN domain containing M2; plus strand). Cytogenetic location: 1p36.21.
Variant type: single nucleotide variant.
Coding change: c.1112C>A on transcript NM_015164.4 (MANE Select); coding-DNA position 1112, C replaced by A.
Protein change: p.Ser371Tyr; replaces serine 371 with tyrosine.
Molecular consequence: missense variant.
Genome position (GRCh38, 1-based): chr1:15,727,184, C>A. VCF-style: chr1-15727184-C-A. GRCh37 (hg19) VCF-style: chr1-16053679-C-A.
Other names: c.1052C>A, p.Ser351Tyr (NM_001410755.1); short protein forms S371Y, S351Y.
Identifiers: ClinVar variation 2804875 (VCV002804875.3), dbSNP rs1325492057, ClinGen allele CA338585377.